The following is an entry in ClinVar:

NM_182961.4(SYNE1):c.22615C>T (p.Leu7539Phe)

Gene: SYNE1 (spectrin repeat containing nuclear envelope protein 1; minus strand). Cytogenetic location: 6q25.2.
Variant type: single nucleotide variant.
Coding change: c.22615C>T on transcript NM_182961.4 (MANE Select); coding-DNA position 22615, C replaced by T.
Protein change: p.Leu7539Phe; replaces leucine 7539 with phenylalanine.
Molecular consequence: missense variant.
Genome position (GRCh38, 1-based): chr6:152,208,181, G>A on the plus strand (C>T on the coding strand, the complement: SYNE1 is on the minus strand). VCF-style: chr6-152208181-G-A. GRCh37 (hg19) VCF-style: chr6-152529316-G-A.
Other names: c.22402C>T, p.Leu7468Phe (NM_033071.5); short protein forms L7468F, L7539F.
Identifiers: ClinVar variation 1050392 (VCV001050392.1), dbSNP rs768346744, ClinGen allele CA4053831.

ClinVar aggregate classification (germline): Uncertain significance (0 of 4 stars; one submission).

Allele frequency attached by ClinVar (database versions not stated): ExAC 0.00001; gnomAD exomes 0.00001; TOPMed 0.00001.
gnomAD v4.1: 4 of 1,614,072 alleles (0.00025%); highest among the groups gnomAD compares: Admixed American, 0.0017%; no homozygotes.

Submission:

Department of Pathology and Laboratory Medicine, Sinai Health System
Classification: Uncertain significance. Review status: no assertion criteria provided. Collection method: clinical testing. Allele origin: unknown. Affected: yes. Study: The Canadian Open Genetics Repository (COGR).
Comment: The SYNE1 p.Leu7539Phe variant was not identified in the literature nor was it identified in ClinVar, Cosmic or LOVD 3.0. The variant was identified in dbSNP (ID: rs768346744) and was found in control databases in 2 of 251110 chromosomes at a frequency of 0.000008 (Genome Aggregation Database Feb 27, 2017). The variant was observed in the following populations: Latino in 1 of 34584 chromosomes (freq: 0.000029) and European (non-Finnish) in 1 of 113474 chromosomes (freq: 0.000009), while the variant was not observed in the African, Ashkenazi Jewish, East Asian, European (Finnish), Other and South Asian populations. The variant occurs outside of the splicing consensus sequence and in silico or computational prediction software programs (SpliceSiteFinder, MaxEntScan, NNSPLICE, GeneSplicer) do not predict a difference in splicing. The p.Leu7539 residue is conserved in mammals and computational analyses (PolyPhen-2, SIFT, AlignGVGD, BLOSUM, MutationTaster) provide inconsistent predictions regarding the impact to the protein; this information is not very predictive of pathogenicity. In summary, based on the above information the clinical significance of this variant cannot be determined with certainty at this time. This variant is classified as a variant of uncertain significance.